The following is an entry in ClinVar:

NM_004006.3(DMD):c.9182G>A (p.Trp3061Ter)

Gene: DMD (dystrophin; minus strand). Cytogenetic location: Xp21.2.
Variant type: single nucleotide variant.
Coding change: c.9182G>A on transcript NM_004006.3 (MANE Select); coding-DNA position 9182, G replaced by A.
Protein change: p.Trp3061Ter; replaces tryptophan 3061 with a stop codon.
Molecular consequence: nonsense.
Genome position (GRCh38, 1-based): chrX:31,323,640, C>T on the plus strand (G>A on the coding strand, the complement: DMD is on the minus strand). VCF-style: chrX-31323640-C-T. GRCh37 (hg19) VCF-style: chrX-31341757-C-T.
Other names: c.9158G>A, p.Trp3053Ter (NM_000109.4); c.9170G>A, p.Trp3057Ter (NM_004009.3); c.8813G>A, p.Trp2938Ter (NM_004010.3); c.5159G>A, p.Trp1720Ter (NM_004011.4); c.5150G>A, p.Trp1717Ter (NM_004012.4); c.1802G>A, p.Trp601Ter (NM_004013.3, NM_004020.4, NM_004021.3 and 2 more transcripts); c.995G>A, p.Trp332Ter (NM_004014.3); short protein forms W1717*, W1720*, W2938*, W3053*, W3057*, W3061*, W332*, W601*.
Identifiers: ClinVar variation 4710669 (VCV004710669.1), dbSNP rs2148297320.

ClinVar aggregate classification (germline): Pathogenic (1 of 4 stars; one submission).

Conditions:
Duchenne muscular dystrophy (DMD). Also called: MUSCULAR DYSTROPHY, PSEUDOHYPERTROPHIC PROGRESSIVE, DUCHENNE TYPE; Duchenne Muscular Dystrophy (DMD). Identifiers: Orphanet 98896, MedGen C0013264, MONDO:0010679, OMIM 310200.

Submission:

Labcorp Genetics (formerly Invitae), Labcorp
Classification: Pathogenic for Duchenne muscular dystrophy. Last evaluated: 2025-08-30. Review status: criteria provided, single submitter. Criteria: Invitae Variant Classification Sherloc (09022015). Collection method: clinical testing. Allele origin: germline.
Comment: This sequence change creates a premature translational stop signal (p.Trp3061*) in the DMD gene. It is expected to result in an absent or disrupted protein product. Loss-of-function variants in DMD are known to be pathogenic (PMID: 16770791, 25007885). This variant is not present in population databases (gnomAD no frequency). This premature translational stop signal has been observed in individual(s) with Duchenne muscular dystrophy (PMID: 19937601). For these reasons, this variant has been classified as Pathogenic.

Literature cited by the submitters: PubMed 16770791; PubMed 25007885; PubMed 19937601.